The following is an entry in ClinVar:

NM_025144.4(ALPK1):c.355T>C (p.Tyr119His)

Gene: ALPK1 (alpha kinase 1; plus strand). Cytogenetic location: 4q25.
Variant type: single nucleotide variant.
Coding change: c.355T>C on transcript NM_025144.4 (MANE Select); coding-DNA position 355, T replaced by C.
Protein change: p.Tyr119His; replaces tyrosine 119 with histidine.
Molecular consequence: missense variant.
Genome position (GRCh38, 1-based): chr4:112,411,905, T>C. VCF-style: chr4-112411905-T-C. GRCh37 (hg19) VCF-style: chr4-113333061-T-C.
Other names: c.355T>C, p.Tyr119His (NM_001102406.2); c.121T>C, p.Tyr41His (NM_001253884.2); short protein forms Y119H, Y41H.
Identifiers: ClinVar variation 2405001 (VCV002405001.4), dbSNP rs778943984, ClinGen allele CA3046349.

ClinVar aggregate classification (germline): Uncertain significance. Review status: criteria provided, multiple submitters, no conflicts (2 of 4 stars). 2 submissions from 2 submitters: Uncertain significance (2). Last evaluated 2024-11-11.

Conditions:
Inborn genetic diseases. Identifiers: MedGen C0950123, MeSH D030342.

Allele frequency attached by ClinVar (database versions not stated): TOPMed below 0.00001; gnomAD 0.00001; ExAC 0.00003; gnomAD exomes 0.00003.
gnomAD v4.1: 16 of 1,614,016 alleles (0.00099%); highest among the groups gnomAD compares: Admixed American, 0.022%; no homozygotes.

Submissions (2):

Labcorp Genetics (formerly Invitae), Labcorp
Classification: Uncertain significance. Last evaluated: 2024-11-11. Review status: criteria provided, single submitter. Criteria: Invitae Variant Classification Sherloc (09022015). Collection method: clinical testing. Allele origin: germline.
Comment: This sequence change replaces tyrosine, which is neutral and polar, with histidine, which is basic and polar, at codon 119 of the ALPK1 protein (p.Tyr119His). This variant is present in population databases (rs778943984, gnomAD 0.02%). This variant has not been reported in the literature in individuals affected with ALPK1-related conditions. ClinVar contains an entry for this variant (Variation ID: 2405001). Invitae Evidence Modeling of protein sequence and biophysical properties (such as structural, functional, and spatial information, amino acid conservation, physicochemical variation, residue mobility, and thermodynamic stability) indicates that this missense variant is expected to disrupt ALPK1 protein function with a positive predictive value of 80%. In summary, the available evidence is currently insufficient to determine the role of this variant in disease. Therefore, it has been classified as a Variant of Uncertain Significance.

Ambry Genetics
Classification: Uncertain significance for Inborn genetic diseases. Last evaluated: 2021-08-12. Review status: criteria provided, single submitter. Criteria: Ambry Variant Classification Scheme 2023. Collection method: clinical testing. Allele origin: germline.